The following is an entry in ClinVar:

NM_005343.4(HRAS):c.546G>A (p.Met182Ile)

Genes: HRAS (HRas proto-oncogene, GTPase; minus strand), LRRC56 (leucine rich repeat containing 56; plus strand). Cytogenetic location: 11p15.5.
Variant type: single nucleotide variant.
Coding change: c.546G>A on transcript NM_005343.4 (MANE Select); coding-DNA position 546, G replaced by A.
Protein change: p.Met182Ile; replaces methionine 182 with isoleucine.
Molecular consequence: missense variant. On other transcripts: 3 prime UTR variant (1).
Genome position (GRCh38, 1-based): chr11:532,660, C>T on the plus strand (G>A on the coding strand, the complement: HRAS is on the minus strand). VCF-style: chr11-532660-C-T. GRCh37 (hg19) VCF-style: chr11-532660-C-T.
Other names: c.546G>A, p.Met182Ile (NM_001130442.3); c.309G>A, p.Met103Ile (NM_001318054.2); c.*115G>A (NM_176795.5); short protein forms M182I, M103I.
Identifiers: ClinVar variation 240138 (VCV000240138.16), dbSNP rs748639813, ClinGen allele CA5779209.
Genomic context (GRCh38, chr11:532,660, plus strand): 5'-GCGTGGCGGCCGCCCTGGGAGTCCCCCTCACCTGCGTCAGGAGAGCACACACTTGCAGCT[C>T]ATGCAGCCGGGGCCACTCTCATCAGGAGGGTTCAGCTTCCGCAGCTTGTGCTGCCGGATC-3'
Protein context (NP_005334.1, residues 172-189): NPPDESGPGC[Met182Ile]SCKCVLS

ClinVar aggregate classification (germline): Conflicting classifications of pathogenicity. Review status: criteria provided, conflicting classifications (1 of 4 stars). 5 submissions from 5 submitters: Uncertain significance (2); Likely benign (3). Last evaluated 2025-11-24.

Conditions:
Epidermal nevus. Also called: NEVUS, KERATINOCYTIC, NONEPIDERMOLYTIC; Nevus, epidermal, somatic. Identifiers: Orphanet 79414, MedGen C0334082, MONDO:0008093, OMIM 162900, HP:0010816.
Costello syndrome (CSTLO). Also called: FCS SYNDROME; HRAS-Related Costello Syndrome; FACIOCUTANEOSKELETAL SYNDROME. Identifiers: Orphanet 3071, MedGen C0587248, MONDO:0009026, OMIM 218040.
Thyroid cancer, nonmedullary, 2 (NMTC2). Also called: THYROID CARCINOMA, FOLLICULAR; Thyroid carcinoma, follicular, somatic; THYROID CANCER, NONMEDULLARY, 2, SUSCEPTIBILITY TO. Identifiers: MedGen C4225426, MONDO:0008566, OMIM 188470.
Large congenital melanocytic nevus (CMNS). Also called: MELANOCYTIC NEVUS SYNDROME, CONGENITAL, SOMATIC; Giant congenital nevus; Giant hairy nevus; Bathing trunk nevus; Congenital giant pigmented nevus; Congenital giant melanocytic nevus. Identifiers: Orphanet 626, MedGen C1842036, MONDO:0044792, OMIM 137550, HP:0005600.
Malignant tumor of urinary bladder. Also called: Bladder cancer; Urinary bladder cancer; Urinary Bladder Neoplasms. Identifiers: MedGen C0005684, MONDO:0001187, OMIM 109800.
Linear nevus sebaceous syndrome. Also called: JADASSOHN NEVUS PHAKOMATOSIS; NEVUS SEBACEUS OF JADASSOHN; ORGANOID NEVUS PHAKOMATOSIS; SFM SYNDROME; Linear sebaceous nevus sequence; Nevus, Sebaceous of Jadassohn. Identifiers: Orphanet 2612, MedGen C4552097, MONDO:0008097, OMIM 163200, HP:0010817.

Allele frequency attached by ClinVar (database versions not stated): gnomAD 0.00001; gnomAD exomes 0.00002; ExAC 0.00003; TOPMed 0.00003.
gnomAD v4.1: 16 of 1,612,628 alleles (0.00099%); highest among the groups gnomAD compares: Admixed American, 0.015%; no homozygotes.

Submissions (5):

Labcorp Genetics (formerly Invitae), Labcorp
Classification: Uncertain significance for Costello syndrome. Last evaluated: 2025-11-24. Review status: criteria provided, single submitter. Criteria: Invitae Variant Classification Sherloc (09022015). Collection method: clinical testing. Allele origin: germline.
Comment: This sequence change replaces methionine, which is neutral and non-polar, with isoleucine, which is neutral and non-polar, at codon 182 of the HRAS protein (p.Met182Ile). This variant is present in population databases (rs748639813, gnomAD 0.01%). This variant has not been reported in the literature in individuals affected with HRAS-related conditions. ClinVar contains an entry for this variant (Variation ID: 240138). Invitae Evidence Modeling incorporating data from in vitro experimental studies (internal data) indicates that this missense variant is not expected to disrupt HRAS function with a negative predictive value of 95%. In summary, the available evidence is currently insufficient to determine the role of this variant in disease. Therefore, it has been classified as a Variant of Uncertain Significance.

Revvity Omics, Revvity
Classification: Likely benign for Costello syndrome. Last evaluated: 2024-10-15. Review status: criteria provided, single submitter. Criteria: ACMG Guidelines, 2015. Collection method: clinical testing. Allele origin: germline.

Fulgent Genetics
Classification: Uncertain significance for Malignant tumor of urinary bladder; Large congenital melanocytic nevus; Epidermal nevus; Linear nevus sebaceous syndrome; Thyroid cancer, nonmedullary, 2; Costello syndrome. Last evaluated: 2024-05-22. Review status: criteria provided, single submitter. Criteria: ACMG Guidelines, 2015. Collection method: clinical testing. Allele origin: germline.

Women's Health and Genetics/Laboratory Corporation of America, LabCorp
Classification: Likely benign. Last evaluated: 2024-02-19. Review status: criteria provided, single submitter. Criteria: LabCorp Variant Classification Summary - May 2015. Collection method: clinical testing. Allele origin: germline.
Comment: Variant summary: HRAS c.546G>A (p.Met182Ile) results in a conservative amino acid change in the encoded protein sequence. Four of five in-silico tools predict a benign effect of the variant on protein function. The variant allele was found at a frequency of 2.1e-05 in 779530 control chromosomes gnomAD database (v4.0.0). The observed variant frequency is approximately 4 fold of the estimated maximal expected allele frequency for a pathogenic variant in HRAS causing Costello Syndrome phenotype (5e-06), strongly suggesting that the variant is benign. To our knowledge, no occurrence of c.546G>A in individuals affected with Costello Syndrome and no experimental evidence demonstrating its impact on protein function have been reported. ClinVar contains an entry for this variant (Variation ID: 240138). Based on the evidence outlined above, the variant was classified as likely benign.

Blueprint Genetics
Classification: Likely benign. Last evaluated: 2022-07-14. Review status: criteria provided, single submitter. Criteria: ACMG Guidelines, 2015. Collection method: clinical testing. Allele origin: germline.